The following is an entry in ClinVar:

ClinVar aggregate classification (germline): Uncertain significance (1 of 4 stars; one submission).

Conditions:
Epileptic encephalopathy. Identifiers: MedGen C0543888, HP:0200134.

Allele frequency attached by ClinVar (database versions not stated): gnomAD 0.00003; ExAC 0.00005; TOPMed 0.00006; gnomAD exomes 0.00008.
gnomAD v4.1: 47 of 1,612,206 alleles (0.0029%); highest among the groups gnomAD compares: Admixed American, 0.023%; no homozygotes.

Submission:

Labcorp Genetics (formerly Invitae), Labcorp
Classification: Uncertain significance for Epileptic encephalopathy. Last evaluated: 2022-07-26. Review status: criteria provided, single submitter. Criteria: Invitae Variant Classification Sherloc (09022015). Collection method: clinical testing. Allele origin: germline.
Comment: This variant is present in population databases (rs767314207, gnomAD 0.06%). In summary, the available evidence is currently insufficient to determine the role of this variant in disease. Therefore, it has been classified as a Variant of Uncertain Significance. Algorithms developed to predict the effect of missense changes on protein structure and function are either unavailable or do not agree on the potential impact of this missense change (SIFT: "Deleterious"; PolyPhen-2: "Probably Damaging"; Align-GVGD: "Class C0"). ClinVar contains an entry for this variant (Variation ID: 461941). This variant has not been reported in the literature in individuals affected with RYR3-related conditions. This sequence change replaces leucine, which is neutral and non-polar, with isoleucine, which is neutral and non-polar, at codon 2292 of the RYR3 protein (p.Leu2292Ile).

NM_001036.6(RYR3):c.6874C>A (p.Leu2292Ile)

Gene: RYR3 (ryanodine receptor 3; plus strand). Cytogenetic location: 15q14.
Variant type: single nucleotide variant.
Coding change: c.6874C>A on transcript NM_001036.6 (MANE Select); coding-DNA position 6874, C replaced by A.
Protein change: p.Leu2292Ile; replaces leucine 2292 with isoleucine.
Molecular consequence: missense variant.
Genome position (GRCh38, 1-based): chr15:33,724,138, C>A. VCF-style: chr15-33724138-C-A. GRCh37 (hg19) VCF-style: chr15-34016339-C-A.
Other names: c.6874C>A, p.Leu2292Ile (NM_001243996.4); short protein forms L2292I.
Identifiers: ClinVar variation 461941 (VCV000461941.11), dbSNP rs767314207, ClinGen allele CA7459707.